The following is an entry in ClinVar:

ClinVar aggregate classification (germline): Pathogenic (1 of 4 stars; one submission).

Conditions:
Pyridoxine-dependent epilepsy (EPEO4). Also called: Pyridoxine-Dependent Epilepsy - ALDH7A1; EPILEPSY, EARLY-ONSET, 4, VITAMIN B6-DEPENDENT; PYRIDOXINE DEPENDENCY WITH SEIZURES; Pyridoxine-Dependent Seizures. Identifiers: Orphanet 3006, MedGen C1849508, MONDO:0009945, OMIM 266100. Disease mechanism: loss of function.

Submission:

Labcorp Genetics (formerly Invitae), Labcorp
Classification: Pathogenic for Pyridoxine-dependent epilepsy. Last evaluated: 2023-12-13. Review status: criteria provided, single submitter. Criteria: Invitae Variant Classification Sherloc (09022015). Collection method: clinical testing. Allele origin: germline.
Comment: This variant is a gross deletion of the genomic region encompassing exon(s) 7 of the ALDH7A1 gene. This variant would be expected to be in-frame, preserving the integrity of the reading frame. A similar copy number variant has been observed in individual(s) with pyroxidine-dependent epilepsy (PMID: 17068770, 26224730). For these reasons, this variant has been classified as Pathogenic.

Literature cited by the submitters: PubMed 17068770; PubMed 26224730.

NC_000005.10:g.(?_126575400)_(126575484_?)del

Gene: ALDH7A1 (aldehyde dehydrogenase 7 family member A1; minus strand). Cytogenetic location: 5q23.2.
Variant type: Deletion.
Identifiers: ClinVar variation 584164 (VCV000584164.8).